The following is an entry in ClinVar:

ClinVar aggregate classification (germline): Conflicting classifications of pathogenicity. Review status: criteria provided, conflicting classifications (1 of 4 stars). 11 submissions from 11 submitters: Likely pathogenic (7); Uncertain significance (4). Last evaluated 2026-01-21.

Conditions:
Inborn genetic diseases. Identifiers: MedGen C0950123, MeSH D030342.
Progressive external ophthalmoplegia with mitochondrial DNA deletions, autosomal dominant 1 (PEOA1). Also called: PROGRESSIVE EXTERNAL OPHTHALMOPLEGIA, AUTOSOMAL DOMINANT 1; Autosomal Dominant Progressive External Ophthalmoplegia (adPEO). Identifiers: MedGen C1834846, MONDO:0024528, OMIM 157640.
Progressive external ophthalmoplegia with mitochondrial DNA deletions, autosomal recessive 1 (PEOB1). Also called: Progressive external ophthalmoplegia, autosomal recessive 1; Autosomal Recessive Progressive External Ophthalmoplegia (arPEO). Identifiers: Orphanet 254886, MedGen C4225153, MONDO:0009783, OMIM 258450.
Progressive sclerosing poliodystrophy (MTDPS4A). Also called: ALPERS PROGRESSIVE INFANTILE POLIODYSTROPHY; Mitochondrial DNA Depletion Syndrome 4A; Alpers-Huttenlocher Syndrome (AHS); NEURONAL DEGENERATION OF CHILDHOOD WITH LIVER DISEASE, PROGRESSIVE; ALPERS DIFFUSE DEGENERATION OF CEREBRAL GRAY MATTER WITH HEPATIC CIRRHOSIS; Alpers-Huttenlocher Syndrome. Identifiers: Orphanet 726, MedGen C0205710, MONDO:0008758, OMIM 203700.
Mitochondrial DNA depletion syndrome 4b. Also called: Mitochondrial Neurogastrointestinal Encephalopathy Disease, POLG-Related; MNGIE, POLG-RELATED. Identifiers: Orphanet 298, MedGen C3150914, MONDO:0013350, OMIM 613662.
Sensory ataxic neuropathy, dysarthria, and ophthalmoparesis (SANDO). Also called: Epilepsy, progressive myoclonic, type 5; SENSORY ATAXIC NEUROPATHY WITH MITOCHONDRIAL DNA DELETIONS, AUTOSOMAL RECESSIVE; Sensory ataxic neuropathy-dysarthria-ophthalmoparesis syndrome; Ataxia Neuropathy Spectrum (ANS). Identifiers: Orphanet 70595, MedGen C1843851, MONDO:0011835, OMIM 607459.
POLG-related disorder. Also called: POLG-Related Spectrum Disorders; POLG-related condition; POLG-Related Disorders. Identifiers: MedGen C4763519.
Mitochondrial DNA depletion syndrome. Also called: mitochondrial DNA depletion. Identifiers: Orphanet 35698, MedGen C0342782, MONDO:0018158.
Hereditary spastic paraplegia. Also called: Familial spastic paraparesis. Identifiers: Orphanet 685, MedGen C0037773, MONDO:0019064. Disease mechanism: loss of function.

Allele frequency attached by ClinVar (database versions not stated): gnomAD exomes 0.00001; ExAC 0.00002; TOPMed 0.00004; gnomAD 0.00005 and 0.00006.
gnomAD v4.1: 20 of 1,611,982 alleles (0.0012%); highest among the groups gnomAD compares: African/African-American, 0.0067%; no homozygotes.

Submissions (11):

3billion
Classification: Likely pathogenic for POLG-related disorder. Last evaluated: 2026-01-21. Review status: criteria provided, single submitter. Criteria: ACMG Guidelines, 2015. Collection method: clinical testing. Allele origin: germline. Affected: yes.
Comment: The variant is observed at an extremely low frequency in the gnomAD v4.1.0 dataset (total allele frequency: 0.001%). Predicted Consequence/Location: Missense variant In silico tool predictions suggest damaging effect of the variant on gene or gene product [REVEL: 0.93 (>=0.6, sensitivity 0.68 and specificity 0.92); 3Cnet: 0.94 (> 0.75, sensitivity 0.96 and precision 0.92)]. The same nucleotide change resulting in the same amino acid change has been previously reported as pathogenic/likely pathogenic with strong evidence (ClinVar ID: VCV000872786 /PMID: 26077851). Therefore, this variant is classified as Likely pathogenic according to the recommendation of ACMG/AMP guideline.

Labcorp Genetics (formerly Invitae), Labcorp
Classification: Uncertain significance for Progressive sclerosing poliodystrophy. Last evaluated: 2026-01-20. Review status: criteria provided, single submitter. Criteria: Invitae Variant Classification Sherloc (09022015). Collection method: clinical testing. Allele origin: germline.
Comment: This sequence change replaces arginine, which is basic and polar, with cysteine, which is neutral and slightly polar, at codon 290 of the POLG protein (p.Arg290Cys). This variant is present in population databases (rs753416225, gnomAD 0.007%). This missense change has been observed in individual(s) with POLG-related conditions (PMID: 26077851, 28074849, 33671400). In at least one individual the data is consistent with being in trans (on the opposite chromosome) from a pathogenic variant. It has also been observed to segregate with disease in related individuals. ClinVar contains an entry for this variant (Variation ID: 872786). Invitae Evidence Modeling of protein sequence and biophysical properties (such as structural, functional, and spatial information, amino acid conservation, physicochemical variation, residue mobility, and thermodynamic stability) has been performed for this missense variant. However, the output from this modeling did not meet the statistical confidence thresholds required to predict the impact of this variant on POLG protein function. In summary, the available evidence is currently insufficient to determine the role of this variant in disease. Therefore, it has been classified as a Variant of Uncertain Significance.

PreventionGenetics, part of Exact Sciences
Classification: Uncertain significance for POLG-related condition. Last evaluated: 2025-07-25. Review status: criteria provided, single submitter. Criteria: ACMG Guidelines, 2015. Collection method: clinical testing. Allele origin: germline.
Comment: The POLG c.868C>T variant is predicted to result in the amino acid substitution p.Arg290Cys. This variant was reported in the compound heterozygous state in an individual with sensory ataxic neuropathy, dysarthria, and ophthalmoparesis (SANDO; Kaliszewska et al 2015. PubMed ID: 26077851). It was also reported in another individual with severe global developmental delay; however, the variant is described as de novo and homozygous in this report making the inheritance unclear (Wang Y et al 2017. PubMed ID: 28074849). This variant is reported in 0.0063% of alleles in individuals of African descent in gnomAD. Although we suspect that this variant may be pathogenic, at this time, the clinical significance of this variant is uncertain due to the absence of conclusive functional and genetic evidence.

Mayo Clinic Laboratories, Mayo Clinic
Classification: Uncertain significance. Last evaluated: 2025-07-23. Review status: criteria provided, single submitter. Criteria: ACMG Guidelines, 2015. Collection method: clinical testing. Allele origin: germline. Observed: 2 variant alleles.
Comment: PP3, PP4, PM2_supporting, PM3

Fulgent Genetics
Classification: Likely pathogenic for Progressive external ophthalmoplegia with mitochondrial DNA deletions, autosomal dominant 1; Progressive sclerosing poliodystrophy; Progressive external ophthalmoplegia with mitochondrial DNA deletions, autosomal recessive 1; Sensory ataxic neuropathy, dysarthria, and ophthalmoparesis; Mitochondrial DNA depletion syndrome 4b. Last evaluated: 2024-04-07. Review status: criteria provided, single submitter. Criteria: ACMG Guidelines, 2015. Collection method: clinical testing. Allele origin: germline.

Baylor Genetics
Classification: Likely pathogenic for Progressive sclerosing poliodystrophy. Last evaluated: 2024-03-06. Review status: criteria provided, single submitter. Criteria: ACMG Guidelines, 2015. Collection method: clinical testing. Allele origin: unknown.

Women's Health and Genetics/Laboratory Corporation of America, LabCorp
Classification: Likely pathogenic for Mitochondrial DNA depletion syndrome. Last evaluated: 2023-02-17. Review status: criteria provided, single submitter. Criteria: LabCorp Variant Classification Summary - May 2015. Collection method: clinical testing. Allele origin: germline.
Comment: Variant summary: POLG c.868C>T (p.Arg290Cys) results in a non-conservative amino acid change located in the DNA mitochondrial polymerase, exonuclease domain (IPR041336) of the encoded protein sequence. Five of five in-silico tools predict a damaging effect of the variant on protein function. The variant allele was found at a frequency of 1.2e-05 in 245036 control chromosomes (gnomAD). c.868C>T has been reported in the literature as a biallelic genotype in individuals affected with Mitochondrial DNA Depletion Syndrome - POLG Related (e.g. Kaliszewska_2015, Wang_2017). These data indicate that the variant is likely to be associated with disease. To our knowledge, no experimental evidence demonstrating an impact on protein function has been reported. Four ClinVar submitters have assessed the variant since 2014: two classified the variant as uncertain significance, and two as likely pathogenic. Based on the evidence outlined above, the variant was classified as likely pathogenic.

Ambry Genetics
Classification: Uncertain significance for Inborn genetic diseases. Last evaluated: 2021-10-15. Review status: criteria provided, single submitter. Criteria: Ambry Variant Classification Scheme 2023. Collection method: clinical testing. Allele origin: germline.

CeGaT Center for Human Genetics Tuebingen
Classification: Likely pathogenic. Last evaluated: 2020-03-01. Review status: criteria provided, single submitter. Criteria: CeGaT Center For Human Genetics Tuebingen Variant Classification Criteria Version 2. Collection method: clinical testing. Allele origin: germline. Affected: yes. Observed: 1 variant allele.

Genome Diagnostics Laboratory, The Hospital for Sick Children
Classification: Likely pathogenic for Hereditary spastic paraplegia. Last evaluated: 2018-01-24. Review status: criteria provided, single submitter. Criteria: ACMG Guidelines, 2015. Collection method: clinical testing. Allele origin: germline. Affected: yes.

Juno Genomics, Hangzhou Juno Genomics, Inc
Classification: Likely pathogenic for Progressive sclerosing poliodystrophy; Mitochondrial DNA depletion syndrome 4b; Sensory ataxic neuropathy, dysarthria, and ophthalmoparesis; Progressive external ophthalmoplegia with mitochondrial DNA deletions, autosomal dominant 1; Progressive external ophthalmoplegia with mitochondrial DNA deletions, autosomal recessive 1. Review status: criteria provided, single submitter. Criteria: ACMG Guidelines, 2015. Collection method: clinical testing. Allele origin: germline.
Comment: Absent from controls (or at extremely low frequency if recessive) in Genome Aggregation Database.;Multiple lines of computational evidence support a deleterious effect on the gene or gene product.;For recessive disorders, detected in trans with a pathogenic variant.;Patient's phenotype or family history is highly specific for a disease with a single genetic etiology.

Literature cited by the submitters: PubMed 26077851 (cited by 5 submitters); PubMed 28074849 (cited by 4 submitters); PubMed 33671400 (cited by 3 submitters); PubMed 30423451 (cited by Mayo Clinic Laboratories, Mayo Clinic); PubMed 33396418 (cited by Mayo Clinic Laboratories, Mayo Clinic).

NM_002693.3(POLG):c.868C>T (p.Arg290Cys)

Gene: POLG (DNA polymerase gamma, catalytic subunit; minus strand). Cytogenetic location: 15q26.1.
Variant type: single nucleotide variant.
Coding change: c.868C>T on transcript NM_002693.3 (MANE Select); coding-DNA position 868, C replaced by T.
Protein change: p.Arg290Cys; replaces arginine 290 with cysteine.
Molecular consequence: missense variant.
Genome position (GRCh38, 1-based): chr15:89,329,098, G>A on the plus strand (C>T on the coding strand, the complement: POLG is on the minus strand). VCF-style: chr15-89329098-G-A. GRCh37 (hg19) VCF-style: chr15-89872329-G-A.
Other names: p.Arg290Cys; c.868C>T, p.Arg290Cys (NM_001126131.2); short protein forms R290C.
Identifiers: ClinVar variation 872786 (VCV000872786.55), dbSNP rs753416225, ClinGen allele CA7725010.